The following is an entry in ClinVar:

NM_000059.4(BRCA2):c.5845del (p.Asp1949fs)

Gene: BRCA2 (BRCA2 DNA repair associated; plus strand). Cytogenetic location: 13q13.1.
Variant type: Deletion.
Coding change: c.5845del on transcript NM_000059.4 (MANE Select); coding-DNA position 5845, one base deleted (G; older notation c.5845delG).
Protein change: p.Asp1949fs; shifts the reading frame from aspartic acid 1949.
Molecular consequence: frameshift variant. On other transcripts: non-coding transcript variant (1), intron variant (2).
Genome position (GRCh38, 1-based): chr13:32,340,200, G deleted. VCF-style (leftmost placement, unchanged base first): chr13-32340199-TG-T. GRCh37 (hg19) VCF-style: chr13-32914336-TG-T.
Other names: c.5845del, p.Asp1949fs (NM_001406719.1, NM_001406720.1); c.1910-4358del (NM_001406721.1); c.425-4358del (NM_001406722.1); short protein forms D1949fs.
Identifiers: ClinVar variation 2566013 (VCV002566013.2), dbSNP rs2548531910, ClinGen allele CA2580614695.

ClinVar aggregate classification (germline): Pathogenic (1 of 4 stars; one submission).

Conditions:
Hereditary cancer-predisposing syndrome. Also called: Neoplastic Syndromes, Hereditary; Hereditary Cancer Syndrome; Hereditary neoplastic syndrome; Tumor predisposition. Identifiers: Orphanet 140162, MedGen C0027672, MeSH D009386, MONDO:0015356.

Submission:

Ambry Genetics
Classification: Pathogenic for Hereditary cancer-predisposing syndrome. Last evaluated: 2023-05-23. Review status: criteria provided, single submitter. Criteria: Ambry Variant Classification Scheme 2023. Collection method: clinical testing. Allele origin: germline.
Comment: The c.5845delG pathogenic mutation, located in coding exon 10 of the BRCA2 gene, results from a deletion of one nucleotide at nucleotide position 5845, causing a translational frameshift with a predicted alternate stop codon (p.D1949Mfs*14). This alteration is expected to result in loss of function by premature protein truncation or nonsense-mediated mRNA decay. As such, this alteration is interpreted as a disease-causing mutation.